The following is an entry in ClinVar:

NC_000019.9:g.(?_50903077)_(50910587_?)del

Gene: POLD1 (DNA polymerase delta 1, catalytic subunit; plus strand). Cytogenetic location: 19q13.33.
Variant type: Deletion.
Identifiers: ClinVar variation 3248477 (VCV003248477.1).

ClinVar aggregate classification (germline): Uncertain significance (1 of 4 stars; one submission).

Conditions:
POLD1-related polyposis and colorectal cancer syndrome (CRCS10). Also called: Colorectal cancer 10; COLORECTAL CANCER, SUSCEPTIBILITY TO, ON CHROMOSOME 19q; Colorectal cancer, susceptibility to, 10. Identifiers: Orphanet 220460, MedGen C2675481, MONDO:0012953, OMIM 612591.

Submission:

Labcorp Genetics (formerly Invitae), Labcorp
Classification: Uncertain significance for POLD1-related polyposis and colorectal cancer syndrome. Last evaluated: 2023-06-16. Review status: criteria provided, single submitter. Criteria: Invitae Variant Classification Sherloc (09022015). Collection method: clinical testing. Allele origin: unknown.
Comment: In summary, the available evidence is currently insufficient to determine the role of this variant in disease. Therefore, it has been classified as a Variant of Uncertain Significance. This variant has not been reported in the literature in individuals affected with POLD1-related conditions. This variant results in the deletion of exons 4-13 and part of exon 14 (c.316+336_1690delinsCTT) of the POLD1 gene. Missense variants that disrupt the 3'-5' exonuclease (proof-reading) activity of the POLD1 protein are associated with PPAP (polymerase proofreading‚Äìassociated polyposis) (PMID: 23263490, 23447401). However, loss-of-function variants that result in an absent or severely disrupted POLD1 protein, and missense variants outside the exonuclease domain, are unlikely to be associated with PPAP.

Literature cited by the submitters: PubMed 23263490; PubMed 23447401.